The following is an entry in ClinVar:

ClinVar aggregate classification (germline): Uncertain significance (1 of 4 stars; one submission).

Conditions:
Inborn genetic diseases. Identifiers: MedGen C0950123, MeSH D030342.

Submission:

Ambry Genetics
Classification: Uncertain significance for Inborn genetic diseases. Last evaluated: 2022-11-10. Review status: criteria provided, single submitter. Criteria: Ambry Variant Classification Scheme 2023. Collection method: clinical testing. Allele origin: germline.
Comment: The c.3247C>G (p.L1083V) alteration is located in exon 8 (coding exon 7) of the ATN1 gene. This alteration results from a C to G substitution at nucleotide position 3247, causing the leucine (L) at amino acid position 1083 to be replaced by a valine (V). This amino acid position is highly conserved in available vertebrate species. This alteration is predicted to be tolerated by in silico analysis. Based on insufficient or conflicting evidence, the clinical significance of this alteration remains unclear.

NM_001940.4(ATN1):c.3247C>G (p.Leu1083Val)

Gene: ATN1 (atrophin 1; plus strand). Cytogenetic location: 12p13.31.
Variant type: single nucleotide variant.
Coding change: c.3247C>G on transcript NM_001940.4 (MANE Select); coding-DNA position 3247, C replaced by G.
Protein change: p.Leu1083Val; replaces leucine 1083 with valine.
Molecular consequence: missense variant.
Genome position (GRCh38, 1-based): chr12:6,940,912, C>G. VCF-style: chr12-6940912-C-G. GRCh37 (hg19) VCF-style: chr12-7050075-C-G.
Other names: c.3247C>G, p.Leu1083Val (NM_001007026.2); short protein forms L1083V.
Identifiers: ClinVar variation 2326090 (VCV002326090.2), dbSNP rs1591667830, ClinGen allele CA383741630.